The following is an entry in ClinVar:

ClinVar aggregate classification (germline): Likely benign (1 of 4 stars; one submission).

Allele frequency attached by ClinVar (database versions not stated): gnomAD exomes below 0.00001; ExAC 0.00001.
gnomAD v4.1: 1 of 1,614,122 alleles (0.000062%); highest among the groups gnomAD compares: Non-Finnish European, 0.000085%; no homozygotes.

Submission:

CeGaT Center for Human Genetics Tuebingen
Classification: Likely benign. Last evaluated: 2022-04-01. Review status: criteria provided, single submitter. Criteria: CeGaT Center For Human Genetics Tuebingen Variant Classification Criteria Version 2. Collection method: clinical testing. Allele origin: germline. Affected: yes. Observed: 1 variant allele.
Comment: USF3: PM2:Supporting, BP4, BP7

NM_001009899.4(USF3):c.3762G>A (p.Leu1254=)

Gene: USF3 (upstream transcription factor family member 3; minus strand). Cytogenetic location: 3q13.2.
Variant type: single nucleotide variant.
Coding change: c.3762G>A on transcript NM_001009899.4 (MANE Select); coding-DNA position 3762, G replaced by A.
Protein change: p.Leu1254=; no amino-acid change (leucine 1254 retained).
Molecular consequence: synonymous variant.
Genome position (GRCh38, 1-based): chr3:113,657,920, C>T on the plus strand (G>A on the coding strand, the complement: USF3 is on the minus strand). VCF-style: chr3-113657920-C-T. GRCh37 (hg19) VCF-style: chr3-113376767-C-T.
Identifiers: ClinVar variation 2654047 (VCV002654047.24), dbSNP rs764697372, ClinGen allele CA2546918.
Genomic context (GRCh38, chr3:113,657,920, plus strand): 5'-ATTAACCGTTGCAGGCACAGTTGTTTGCTCTGAAGTTGGGGATAAACCCGCACAGCTGGC[C>T]AGAGGATGGCTGATGCTGCTCTGATGGATAAGATTATTCACACTTAAACTGGTGATGCTT-3'
Protein context (NP_001009899.3, residues 1244-1264): LIHQSSISHP[Leu1254=]ASCAGLSPTS